The following is an entry in ClinVar:

NM_152393.4(KLHL40):c.1062G>A (p.Leu354=)

Gene: KLHL40 (kelch like family member 40; plus strand). Cytogenetic location: 3p22.1.
Variant type: single nucleotide variant.
Coding change: c.1062G>A on transcript NM_152393.4 (MANE Select); coding-DNA position 1062, G replaced by A.
Protein change: p.Leu354=; no amino-acid change (leucine 354 retained).
Molecular consequence: synonymous variant.
Genome position (GRCh38, 1-based): chr3:42,686,680, G>A. VCF-style: chr3-42686680-G-A. GRCh37 (hg19) VCF-style: chr3-42728172-G-A.
Other names: c.1062G>A (NM_152393.3).
Identifiers: ClinVar variation 1093708 (VCV001093708.9), dbSNP rs140334551, ClinGen allele CA2336790.

ClinVar aggregate classification (germline): Likely benign. Review status: criteria provided, single submitter (1 of 4 stars). 2 submissions from 2 submitters: Likely benign (1). 1 of the submissions does not count toward it. Last evaluated 2025-07-20.

Conditions:
Nemaline myopathy 8 (NEM8). Also called: Nemaline myopathy 8, autosomal recessive. Identifiers: Orphanet 171430, MedGen C3809209, MONDO:0014138, OMIM 615348.
KLHL40-related disorder. Also called: KLHL40-related condition.

Allele frequency attached by ClinVar (database versions not stated): ESP Exome Variant Server 0.00008; TOPMed 0.00008; gnomAD 0.00011 and 0.00012.
gnomAD v4.1: 26 of 1,613,712 alleles (0.0016%); highest among the groups gnomAD compares: African/African-American, 0.024%; no homozygotes.

Submissions (2):

Labcorp Genetics (formerly Invitae), Labcorp
Classification: Likely benign for Nemaline myopathy 8. Last evaluated: 2025-07-20. Review status: criteria provided, single submitter. Criteria: Invitae Variant Classification Sherloc (09022015). Collection method: clinical testing. Allele origin: germline.

PreventionGenetics, part of Exact Sciences
Classification: Likely benign for KLHL40-related condition. Last evaluated: 2019-09-17. Review status: no assertion criteria provided. Collection method: clinical testing. Allele origin: germline. Not counted in ClinVar's aggregate classification.
Comment: This variant is classified as likely benign based on ACMG/AMP sequence variant interpretation guidelines (Richards et al. 2015 PMID: 25741868, with internal and published modifications).